The following is an entry in ClinVar:

ClinVar aggregate classification (germline): Uncertain significance (1 of 4 stars; one submission).

Conditions:
Pitt-Hopkins-like syndrome 2 (PTHSL2). Identifiers: Orphanet 221150, Orphanet 600663, MedGen C3280479, MONDO:0013690, OMIM 614325.

Submission:

Labcorp Genetics (formerly Invitae), Labcorp
Classification: Uncertain significance for Pitt-Hopkins-like syndrome 2. Last evaluated: 2021-09-28. Review status: criteria provided, single submitter. Criteria: Invitae Variant Classification Sherloc (09022015). Collection method: clinical testing. Allele origin: germline.
Comment: In summary, the available evidence is currently insufficient to determine the role of this variant in disease. Therefore, it has been classified as a Variant of Uncertain Significance. Algorithms developed to predict the effect of missense changes on protein structure and function are either unavailable or do not agree on the potential impact of this missense change (SIFT: "Deleterious"; PolyPhen-2: "Probably Damaging"; Align-GVGD: "Class C0"). This variant has not been reported in the literature in individuals affected with NRXN1-related conditions. This variant is not present in population databases (ExAC no frequency). This sequence change replaces glutamine with proline at codon 1052 of the NRXN1 protein (p.Gln1052Pro). The glutamine residue is highly conserved and there is a moderate physicochemical difference between glutamine and proline.

NM_001330078.2(NRXN1):c.3035A>C (p.Gln1012Pro)

Gene: NRXN1 (neurexin 1; minus strand). Cytogenetic location: 2p16.3.
Variant type: single nucleotide variant.
Coding change: c.3035A>C on transcript NM_001330078.2 (MANE Select); coding-DNA position 3035, A replaced by C.
Protein change: p.Gln1012Pro; replaces glutamine 1012 with proline.
Molecular consequence: missense variant.
Genome position (GRCh38, 1-based): chr2:50,495,940, T>G on the plus strand (A>C on the coding strand, the complement: NRXN1 is on the minus strand). VCF-style: chr2-50495940-T-G. GRCh37 (hg19) VCF-style: chr2-50723078-T-G.
Other names: c.3155A>C, p.Gln1052Pro (NM_001135659.3); c.3011A>C, p.Gln1004Pro (NM_001330077.2, NM_001330082.2); c.2969A>C, p.Gln990Pro (NM_001330083.2, NM_001330084.2); c.3008A>C, p.Gln1003Pro (NM_001330085.2); c.3035A>C, p.Gln1012Pro (NM_001330086.2, NM_004801.6); c.2924A>C, p.Gln975Pro (NM_001330087.2, NM_001330096.2); c.2954A>C, p.Gln985Pro (NM_001330088.2); c.3032A>C, p.Gln1011Pro (NM_001330093.2); and 2 more; short protein forms Q1008P, Q1012P, Q1052P, Q990P, Q995P, Q1003P, Q975P, Q985P.
Identifiers: ClinVar variation 1450366 (VCV001450366.6), dbSNP rs2104906879, ClinGen allele CA346776308.